The following is an entry in ClinVar:

NM_020717.5(SHROOM4):c.2913A>C (p.Lys971Asn)

Gene: SHROOM4 (shroom family member 4; minus strand). Cytogenetic location: Xp11.22.
Variant type: single nucleotide variant.
Coding change: c.2913A>C on transcript NM_020717.5 (MANE Select); coding-DNA position 2913, A replaced by C.
Protein change: p.Lys971Asn; replaces lysine 971 with asparagine.
Molecular consequence: missense variant. On other transcripts: non-coding transcript variant (4).
Genome position (GRCh38, 1-based): chrX:50,627,658, T>G on the plus strand (A>C on the coding strand, the complement: SHROOM4 is on the minus strand). VCF-style: chrX-50627658-T-G. GRCh37 (hg19) VCF-style: chrX-50370658-T-G.
Other names: short protein forms K971N.
Identifiers: ClinVar variation 3778000 (VCV003778000.7).

ClinVar aggregate classification (germline): Uncertain significance (1 of 4 stars; one submission).

gnomAD v4.1: 1 of 1,208,457 alleles (0.000083%); highest among the groups gnomAD compares: Non-Finnish European, 0.00011%; no homozygotes.

Submission:

CeGaT Center for Human Genetics Tuebingen
Classification: Uncertain significance. Last evaluated: 2025-03-01. Review status: criteria provided, single submitter. Criteria: CeGaT Center For Human Genetics Tuebingen Variant Classification Criteria Version 2. Collection method: clinical testing. Allele origin: germline. Affected: yes. Observed: 1 variant allele.
Comment: SHROOM4: PM2